The following is an entry in ClinVar:

NM_006031.6(PCNT):c.2852C>A (p.Thr951Lys)

Gene: PCNT (pericentrin; plus strand). Cytogenetic location: 21q22.3.
Variant type: single nucleotide variant.
Coding change: c.2852C>A on transcript NM_006031.6 (MANE Select); coding-DNA position 2852, C replaced by A.
Protein change: p.Thr951Lys; replaces threonine 951 with lysine.
Molecular consequence: missense variant.
Genome position (GRCh38, 1-based): chr21:46,366,826, C>A. VCF-style: chr21-46366826-C-A. GRCh37 (hg19) VCF-style: chr21-47786741-C-A.
Other names: c.2852C>A (NM_006031.5); c.2498C>A, p.Thr833Lys (NM_001315529.2); short protein forms T951K, T833K.
Identifiers: ClinVar variation 1917114 (VCV001917114.5), dbSNP rs1230684617, ClinGen allele CA410569486.

ClinVar aggregate classification (germline): Uncertain significance. Review status: criteria provided, multiple submitters, no conflicts (2 of 4 stars). 2 submissions from 2 submitters: Uncertain significance (2). Last evaluated 2024-12-26.

Conditions:
PCNT-related disorder. Also called: PCNT-related condition.

Allele frequency attached by ClinVar (database versions not stated): TOPMed below 0.00001; gnomAD exomes 0.00001.
gnomAD v4.1: 17 of 1,613,960 alleles (0.0011%); highest among the groups gnomAD compares: Non-Finnish European, 0.0014%; no homozygotes.

Submissions (2):

PreventionGenetics, part of Exact Sciences
Classification: Uncertain significance for PCNT-related condition. Last evaluated: 2024-12-26. Review status: criteria provided, single submitter. Criteria: ACMG Guidelines, 2015. Collection method: clinical testing. Allele origin: germline.
Comment: The PCNT c.2852C>A variant is predicted to result in the amino acid substitution p.Thr951Lys. To our knowledge, this variant has not been reported in the literature. This variant is reported in 0.0065% of alleles in individuals of European (Non-Finnish) descent in gnomAD. At this time, the clinical significance of this variant is uncertain due to the absence of conclusive functional and genetic evidence.

Labcorp Genetics (formerly Invitae), Labcorp
Classification: Uncertain significance. Last evaluated: 2024-04-10. Review status: criteria provided, single submitter. Criteria: Invitae Variant Classification Sherloc (09022015). Collection method: clinical testing. Allele origin: germline.
Comment: This sequence change replaces threonine, which is neutral and polar, with lysine, which is basic and polar, at codon 951 of the PCNT protein (p.Thr951Lys). This variant is not present in population databases (gnomAD no frequency). This variant has not been reported in the literature in individuals affected with PCNT-related conditions. ClinVar contains an entry for this variant (Variation ID: 1917114). An algorithm developed to predict the effect of missense changes on protein structure and function (PolyPhen-2) suggests that this variant is likely to be disruptive. In summary, the available evidence is currently insufficient to determine the role of this variant in disease. Therefore, it has been classified as a Variant of Uncertain Significance.